The following is an entry in ClinVar:

NM_001267550.2(TTN):c.75340G>C (p.Asp25114His)

Genes: TTN (titin; minus strand), TTN-AS1 (TTN antisense RNA 1; plus strand). Cytogenetic location: 2q31.2.
Variant type: single nucleotide variant.
Coding change: c.75340G>C on transcript NM_001267550.2 (MANE Select); coding-DNA position 75340, G replaced by C.
Protein change: p.Asp25114His; replaces aspartic acid 25114 with histidine.
Molecular consequence: missense variant.
Genome position (GRCh38, 1-based): chr2:178,570,792, C>G on the plus strand (G>C on the coding strand, the complement: TTN is on the minus strand). VCF-style: chr2-178570792-C-G. GRCh37 (hg19) VCF-style: chr2-179435519-C-G.
Other names: c.70417G>C, p.Asp23473His (NM_001256850.1); c.48145G>C, p.Asp16049His (NM_003319.4); c.67636G>C, p.Asp22546His (NM_133378.4); c.48520G>C, p.Asp16174His (NM_133432.3); c.48721G>C, p.Asp16241His (NM_133437.4); short protein forms D16174H, D25114H, D16241H, D16049H, D22546H, D23473H.
Identifiers: ClinVar variation 4987141 (VCV004987141.1).
Genomic context (GRCh38, chr2:178,570,792, plus strand): 5'-CTGCATCAACCTTGAATGATTCACCAGCATGAACCACGATTGTGTCTTTGTATTTTGGAT[C>G]CATACTTATTCGTGGTGGATCTACCTCATCTCTAGCTGTTATTGCTCCTGTGCTTTCTGA-3'
Protein context (NP_001254479.2, residues 25104-25124): DEVDPPRISM[Asp25114His]PKYKDTIVVH

ClinVar aggregate classification (germline): Uncertain significance (1 of 4 stars; one submission).

Conditions:
TTN-related disorder. Also called: TTN-related disorders; TTN-related condition; TTN-related disease.

gnomAD v4.1: 2 of 1,613,450 alleles (0.00012%); highest among the groups gnomAD compares: Non-Finnish European, 0.00017%; no homozygotes.

Submission:

PreventionGenetics, part of Exact Sciences
Classification: Uncertain significance for TTN-related condition. Last evaluated: 2025-05-22. Review status: criteria provided, single submitter. Criteria: ACMG Guidelines, 2015. Collection method: clinical testing. Allele origin: germline.
Comment: The TTN c.75340G>C variant is predicted to result in the amino acid substitution p.Asp25114His. To our knowledge, this variant has not been reported in the literature or in a large population database (gnomAD), indicating this variant is rare. At this time, the clinical significance of this variant is uncertain due to the absence of conclusive functional and genetic evidence.